The following is an entry in ClinVar:

NM_001374353.1(GLI2):c.2208G>A (p.Thr736=)

Gene: GLI2 (GLI family zinc finger 2; plus strand). Cytogenetic location: 2q14.2.
Variant type: single nucleotide variant.
Coding change: c.2208G>A on transcript NM_001374353.1 (MANE Select); coding-DNA position 2208, G replaced by A.
Protein change: p.Thr736=; no amino-acid change (threonine 736 retained).
Molecular consequence: synonymous variant.
Genome position (GRCh38, 1-based): chr2:120,986,580, G>A. VCF-style: chr2-120986580-G-A. GRCh37 (hg19) VCF-style: chr2-121744156-G-A.
Other names: c.2259G>A, p.Thr753= (NM_001371271.1, NM_005270.5); c.1833G>A, p.Thr611= (NM_001374354.1).
Identifiers: ClinVar variation 596121 (VCV000596121.35), dbSNP rs372206751, ClinGen allele CA1852165.

ClinVar aggregate classification (germline): Conflicting classifications of pathogenicity. Review status: criteria provided, conflicting classifications (1 of 4 stars). 5 submissions from 5 submitters: Uncertain significance (2); Likely benign (3). Last evaluated 2026-01-15.

Conditions:
Holoprosencephaly 9 (HPE9). Also called: PITUITARY ANOMALIES WITH HOLOPROSENCEPHALY-LIKE FEATURES; HOLOPROSENCEPHALY WITH MICROPHTHALMIA AND FIRST BRANCHIAL ARCH ANOMALIES. Identifiers: Orphanet 2162, MedGen C1835819, MONDO:0012563, OMIM 610829.
Postaxial polydactyly-anterior pituitary anomalies-facial dysmorphism syndrome. Also called: Culler-Jones syndrome. Identifiers: Orphanet 420584, MedGen C4014479, MONDO:0014369, OMIM 615849.

Allele frequency attached by ClinVar (database versions not stated): gnomAD 0.00001 and 0.00003; TOPMed 0.00002; gnomAD exomes 0.00005 and 0.00006; ESP Exome Variant Server 0.00008; ExAC 0.00010; 1000 Genomes Project 30x 0.00016; 1000 Genomes Project 0.00020.
gnomAD v4.1: 80 of 1,614,072 alleles (0.005%); highest among the groups gnomAD compares: Middle Eastern, 0.17%; no homozygotes.

Submissions (5):

Labcorp Genetics (formerly Invitae), Labcorp
Classification: Likely benign for Postaxial polydactyly-anterior pituitary anomalies-facial dysmorphism syndrome; Holoprosencephaly 9. Last evaluated: 2026-01-15. Review status: criteria provided, single submitter. Criteria: Invitae Variant Classification Sherloc (09022015). Collection method: clinical testing. Allele origin: germline.

Blueprint Genetics
Classification: Likely benign. Last evaluated: 2024-05-21. Review status: criteria provided, single submitter. Criteria: ACMG Guidelines, 2015. Collection method: clinical testing. Allele origin: germline.

CeGaT Center for Human Genetics Tuebingen
Classification: Likely benign. Last evaluated: 2022-06-01. Review status: criteria provided, single submitter. Criteria: CeGaT Center For Human Genetics Tuebingen Variant Classification Criteria Version 2. Collection method: clinical testing. Allele origin: germline. Affected: yes. Observed: 1 variant allele.
Comment: GLI2: BP4, BP7

Eurofins Ntd Llc (ga)
Classification: Uncertain significance. Last evaluated: 2018-02-16. Review status: criteria provided, single submitter. Criteria: EGL ClinVar v180209 classification definitions. Collection method: clinical testing. Allele origin: germline. Observed: 1 variant allele, 1 heterozygote.

Breakthrough Genomics
Classification: Uncertain significance. Review status: criteria provided, single submitter. Criteria: ACMG Guidelines, 2015. Collection method: not provided. Allele origin: germline. Inheritance: Autosomal dominant inheritance. Affected: yes.